The following is an entry in ClinVar:

ClinVar aggregate classification (germline): Uncertain significance. Review status: criteria provided, multiple submitters, no conflicts (2 of 4 stars). 2 submissions from 2 submitters: Uncertain significance (2). Last evaluated 2022-12-03.

Conditions:
Inborn genetic diseases. Identifiers: MedGen C0950123, MeSH D030342.

Submissions (2):

Ambry Genetics
Classification: Uncertain significance for Inborn genetic diseases. Last evaluated: 2022-12-03. Review status: criteria provided, single submitter. Criteria: Ambry Variant Classification Scheme 2023. Collection method: clinical testing. Allele origin: germline.
Comment: The p.V716L variant (also known as c.2146G>T), located in coding exon 22 of the ERCC2 gene, results from a G to T substitution at nucleotide position 2146. The valine at codon 716 is replaced by leucine, an amino acid with highly similar properties. This amino acid position is conserved. In addition, this alteration is predicted to be tolerated by in silico analysis. Since supporting evidence is limited at this time, the clinical significance of this alteration remains unclear.

Labcorp Genetics (formerly Invitae), Labcorp
Classification: Uncertain significance. Last evaluated: 2022-05-18. Review status: criteria provided, single submitter. Criteria: Invitae Variant Classification Sherloc (09022015). Collection method: clinical testing. Allele origin: germline.
Comment: This sequence change replaces valine, which is neutral and non-polar, with leucine, which is neutral and non-polar, at codon 716 of the ERCC2 protein (p.Val716Leu). This variant is not present in population databases (gnomAD no frequency). This variant has not been reported in the literature in individuals affected with ERCC2-related conditions. Algorithms developed to predict the effect of missense changes on protein structure and function (SIFT, PolyPhen-2, Align-GVGD) all suggest that this variant is likely to be tolerated. In summary, the available evidence is currently insufficient to determine the role of this variant in disease. Therefore, it has been classified as a Variant of Uncertain Significance.

NM_000400.4(ERCC2):c.2146G>T (p.Val716Leu)

Gene: ERCC2 (ERCC excision repair 2, TFIIH core complex helicase subunit; minus strand). Cytogenetic location: 19q13.32.
Variant type: single nucleotide variant.
Coding change: c.2146G>T on transcript NM_000400.4 (MANE Select); coding-DNA position 2146, G replaced by T.
Protein change: p.Val716Leu; replaces valine 716 with leucine.
Molecular consequence: missense variant.
Genome position (GRCh38, 1-based): chr19:45,352,253, C>A on the plus strand (G>T on the coding strand, the complement: ERCC2 is on the minus strand). VCF-style: chr19-45352253-C-A. GRCh37 (hg19) VCF-style: chr19-45855511-C-A.
Other names: short protein forms V716L.
Identifiers: ClinVar variation 2183998 (VCV002183998.3), dbSNP rs770807976, ClinGen allele CA406362047.